The following is an entry in ClinVar:

NM_015047.3(EMC1):c.1970A>G (p.Asn657Ser)

Genes: EMC1 (ER membrane protein complex subunit 1; minus strand), EMC1-AS1 (EMC1 antisense RNA 1; plus strand). Cytogenetic location: 1p36.13.
Variant type: single nucleotide variant.
Coding change: c.1970A>G on transcript NM_015047.3 (MANE Select); coding-DNA position 1970, A replaced by G.
Protein change: p.Asn657Ser; replaces asparagine 657 with serine.
Molecular consequence: missense variant.
Genome position (GRCh38, 1-based): chr1:19,230,938, T>C on the plus strand (A>G on the coding strand, the complement: EMC1 is on the minus strand). VCF-style: chr1-19230938-T-C. GRCh37 (hg19) VCF-style: chr1-19557432-T-C.
Other names: c.1967A>G, p.Asn656Ser (NM_001271427.2, NM_001271428.2); c.1904A>G, p.Asn635Ser (NM_001271429.2); c.1979A>G, p.Asn660Ser (NM_001375820.1); c.1976A>G, p.Asn659Ser (NM_001375821.1); short protein forms N659S, N660S, N635S, N656S, N657S.
Identifiers: ClinVar variation 1360433 (VCV001360433.8), dbSNP rs2151947483, ClinGen allele CA338758861.

ClinVar aggregate classification (germline): Uncertain significance (1 of 4 stars; one submission).

Submission:

Labcorp Genetics (formerly Invitae), Labcorp
Classification: Uncertain significance. Last evaluated: 2022-03-04. Review status: criteria provided, single submitter. Criteria: Invitae Variant Classification Sherloc (09022015). Collection method: clinical testing. Allele origin: germline.
Comment: This sequence change replaces asparagine, which is neutral and polar, with serine, which is neutral and polar, at codon 657 of the EMC1 protein (p.Asn657Ser). This variant is not present in population databases (gnomAD no frequency). This variant has not been reported in the literature in individuals affected with EMC1-related conditions. Algorithms developed to predict the effect of missense changes on protein structure and function (SIFT, PolyPhen-2, Align-GVGD) all suggest that this variant is likely to be tolerated. In summary, the available evidence is currently insufficient to determine the role of this variant in disease. Therefore, it has been classified as a Variant of Uncertain Significance.